The following is an entry in ClinVar:

NM_000399.5(EGR2):c.425A>G (p.Asn142Ser)

Gene: EGR2 (early growth response 2; minus strand). Cytogenetic location: 10q21.3.
Variant type: single nucleotide variant.
Coding change: c.425A>G on transcript NM_000399.5 (MANE Select); coding-DNA position 425, A replaced by G.
Protein change: p.Asn142Ser; replaces asparagine 142 with serine.
Molecular consequence: missense variant.
Genome position (GRCh38, 1-based): chr10:62,814,213, T>C on the plus strand (A>G on the coding strand, the complement: EGR2 is on the minus strand). VCF-style: chr10-62814213-T-C. GRCh37 (hg19) VCF-style: chr10-64573973-T-C.
Other names: c.425A>G, p.Asn142Ser (NM_001136177.3, NM_001136178.2); c.275A>G, p.Asn92Ser (NM_001136179.3, NM_001321037.2); c.464A>G, p.Asn155Ser (NM_001410931.1); short protein forms N155S, N142S, N92S.
Identifiers: ClinVar variation 4746586 (VCV004746586.1).

ClinVar aggregate classification (germline): Uncertain significance (1 of 4 stars; one submission).

Conditions:
Charcot-Marie-Tooth disease, type I (CMT1). Also called: Charcot-Marie-Tooth, Type 1; Charcot-Marie-Tooth disease type 1. Identifiers: Orphanet 65753, MedGen C0751036, MONDO:0019011.

Submission:

Labcorp Genetics (formerly Invitae), Labcorp
Classification: Uncertain significance for Charcot-Marie-Tooth disease, type I. Last evaluated: 2025-08-11. Review status: criteria provided, single submitter. Criteria: Invitae Variant Classification Sherloc (09022015). Collection method: clinical testing. Allele origin: germline.
Comment: This sequence change replaces asparagine, which is neutral and polar, with serine, which is neutral and polar, at codon 142 of the EGR2 protein (p.Asn142Ser). This variant is present in population databases (rs552315452, gnomAD 0.01%). This variant has not been reported in the literature in individuals affected with EGR2-related conditions. Invitae Evidence Modeling of protein sequence and biophysical properties (such as structural, functional, and spatial information, amino acid conservation, physicochemical variation, residue mobility, and thermodynamic stability) indicates that this missense variant is not expected to disrupt EGR2 protein function with a negative predictive value of 80%. In summary, the available evidence is currently insufficient to determine the role of this variant in disease. Therefore, it has been classified as a Variant of Uncertain Significance.